The following is an entry in ClinVar:

NM_001148.6(ANK2):c.10834C>T (p.Gln3612Ter)

Gene: ANK2 (ankyrin 2; plus strand). Cytogenetic location: 4q26.
Variant type: single nucleotide variant.
Coding change: c.10834C>T on transcript NM_001148.6 (MANE Select); coding-DNA position 10834, C replaced by T.
Protein change: p.Gln3612Ter; replaces glutamine 3612 with a stop codon.
Molecular consequence: nonsense.
Genome position (GRCh38, 1-based): chr4:113,363,415, C>T. VCF-style: chr4-113363415-C-T. GRCh37 (hg19) VCF-style: chr4-114284571-C-T.
Other names: c.4195C>T, p.Gln1399Ter (NM_001386157.1, NM_001354277.2); c.4096C>T, p.Gln1366Ter (NM_001386158.1); c.4423C>T, p.Gln1475Ter (NM_001386160.1); c.4513C>T, p.Gln1505Ter (NM_001386161.1, NM_001354244.2, NM_001354256.2); c.4393C>T, p.Gln1465Ter (NM_001386162.1, NM_001354249.2, NM_001354266.2 and 2 more transcripts); c.7234C>T, p.Gln2412Ter (NM_001386166.1); c.979C>T, p.Gln327Ter (NM_001386167.1); c.10975C>T, p.Gln3659Ter (NM_001386174.1); and 35 more; short protein forms Q1366*, Q1399*, Q1427*, Q1432*, Q1440*, Q1449*, Q1452*, Q1454*.
Identifiers: ClinVar variation 4856082 (VCV004856082.1).

ClinVar aggregate classification (germline): Uncertain significance (1 of 4 stars; one submission).

Conditions:
ANK2-related disorder. Also called: ANK2-related condition.

Submission:

3billion
Classification: Uncertain significance for ANK2-related disorder. Last evaluated: 2025-05-28. Review status: criteria provided, single submitter. Criteria: ACMG Guidelines, 2015. Collection method: clinical testing. Allele origin: germline. Affected: yes.
Comment: The variant is not observed in the gnomAD v4.1.0 dataset. Predicted Consequence/Location: Stop-gained (nonsense) variant Therefore, this variant is classified as VUS according to the recommendation of ACMG/AMP guideline.